The following is an entry in ClinVar:

ClinVar aggregate classification (germline): Likely benign (1 of 4 stars; one submission).

Allele frequency attached by ClinVar (database versions not stated): ExAC 0.00007; gnomAD 0.00012; TOPMed 0.00016; gnomAD exomes 0.00018.
gnomAD v4.1: 279 of 1,584,476 alleles (0.018%); highest among the groups gnomAD compares: Middle Eastern, 0.18%; no homozygotes.

Submission:

CeGaT Center for Human Genetics Tuebingen
Classification: Likely benign. Last evaluated: 2023-03-01. Review status: criteria provided, single submitter. Criteria: CeGaT Center For Human Genetics Tuebingen Variant Classification Criteria Version 2. Collection method: clinical testing. Allele origin: germline. Affected: yes. Observed: 1 variant allele.
Comment: SIGLEC1: BP4, BP7

NM_023068.4(SIGLEC1):c.4311C>T (p.Ile1437=)

Gene: SIGLEC1 (sialic acid binding Ig like lectin 1; minus strand). Cytogenetic location: 20p13.
Variant type: single nucleotide variant.
Coding change: c.4311C>T on transcript NM_023068.4 (MANE Select); coding-DNA position 4311, C replaced by T.
Protein change: p.Ile1437=; no amino-acid change (isoleucine 1437 retained).
Molecular consequence: synonymous variant.
Genome position (GRCh38, 1-based): chr20:3,691,922, G>A on the plus strand (C>T on the coding strand, the complement: SIGLEC1 is on the minus strand). VCF-style: chr20-3691922-G-A. GRCh37 (hg19) VCF-style: chr20-3672569-G-A.
Other names: c.4311C>T, p.Ile1437= (NM_001367089.1).
Identifiers: ClinVar variation 2652180 (VCV002652180.24), dbSNP rs754759740, ClinGen allele CA9746199.